The following is an entry in ClinVar:

NM_004523.4(KIF11):c.2557C>T (p.Gln853Ter)

Gene: KIF11 (kinesin family member 11; plus strand). Cytogenetic location: 10q23.33.
Variant type: single nucleotide variant.
Coding change: c.2557C>T on transcript NM_004523.4 (MANE Select); coding-DNA position 2557, C replaced by T.
Protein change: p.Gln853Ter; replaces glutamine 853 with a stop codon.
Molecular consequence: nonsense.
Genome position (GRCh38, 1-based): chr10:92,648,221, C>T. VCF-style: chr10-92648221-C-T. GRCh37 (hg19) VCF-style: chr10-94407978-C-T.
Other names: short protein forms Q853*.
Identifiers: ClinVar variation 3664440 (VCV003664440.2).

ClinVar aggregate classification (germline): Pathogenic (1 of 4 stars; one submission).

Submission:

Labcorp Genetics (formerly Invitae), Labcorp
Classification: Pathogenic. Last evaluated: 2024-09-03. Review status: criteria provided, single submitter. Criteria: Invitae Variant Classification Sherloc (09022015). Collection method: clinical testing. Allele origin: germline.
Comment: This sequence change creates a premature translational stop signal (p.Gln853*) in the KIF11 gene. It is expected to result in an absent or disrupted protein product. Loss-of-function variants in KIF11 are known to be pathogenic (PMID: 22284827, 24281367). This variant is not present in population databases (gnomAD no frequency). This variant has not been reported in the literature in individuals affected with KIF11-related conditions. For these reasons, this variant has been classified as Pathogenic.

Literature cited by the submitters: PubMed 22284827; PubMed 24281367.